The following is an entry in ClinVar:

NM_001378454.1(ALMS1):c.8430A>T (p.Lys2810Asn)

Gene: ALMS1 (ALMS1 centrosome and basal body associated protein; plus strand). Cytogenetic location: 2p13.1.
Variant type: single nucleotide variant.
Coding change: c.8430A>T on transcript NM_001378454.1 (MANE Select); coding-DNA position 8430, A replaced by T.
Protein change: p.Lys2810Asn; replaces lysine 2810 with asparagine.
Molecular consequence: missense variant.
Genome position (GRCh38, 1-based): chr2:73,490,389, A>T. VCF-style: chr2-73490389-A-T. GRCh37 (hg19) VCF-style: chr2-73717516-A-T.
Other names: c.8433A>T, p.Lys2811Asn (NM_015120.4); short protein forms K2810N, K2811N.
Identifiers: ClinVar variation 3344523 (VCV003344523.1).

ClinVar aggregate classification (germline): Uncertain significance (0 of 4 stars; one submission).

Conditions:
ALMS1-related disorder. Also called: ALMS1-related condition.

gnomAD v4.1: 1 of 1,613,502 alleles (0.000062%); highest among the groups gnomAD compares: Non-Finnish European, 0.000085%; no homozygotes.

Submission:

PreventionGenetics, part of Exact Sciences
Classification: Uncertain significance for ALMS1-related condition. Last evaluated: 2024-06-14. Review status: no assertion criteria provided. Collection method: clinical testing. Allele origin: germline.
Comment: The ALMS1 c.8433A>T variant is predicted to result in the amino acid substitution p.Leu2811Phe. To our knowledge, this variant has not been reported in the literature or in a large population database, indicating this variant is rare. At this time, the clinical significance of this variant is uncertain due to the absence of conclusive functional and genetic evidence.